The following is an entry in ClinVar:

ClinVar aggregate classification (germline): Likely benign (0 of 4 stars; one submission).

Conditions:
FAM47A-related disorder. Also called: FAM47A-related condition.

Allele frequency attached by ClinVar (database versions not stated): 1000 Genomes Project 30x 0.00062; 1000 Genomes Project 0.00079; gnomAD exomes 0.00109; ESP Exome Variant Server 0.00218; ExAC 0.00231; gnomAD 0.00257.

Submission:

PreventionGenetics, part of Exact Sciences
Classification: Likely benign for FAM47A-related condition. Last evaluated: 2019-04-29. Review status: no assertion criteria provided. Collection method: clinical testing. Allele origin: germline.
Comment: This variant is classified as likely benign based on ACMG/AMP sequence variant interpretation guidelines (Richards et al. 2015 PMID: 25741868, with internal and published modifications).

NM_203408.4(FAM47A):c.1478C>T (p.Ser493Leu)

Gene: FAM47A (family with sequence similarity 47 member A; minus strand). Cytogenetic location: Xp21.1.
Variant type: single nucleotide variant.
Coding change: c.1478C>T on transcript NM_203408.4 (MANE Select); coding-DNA position 1478, C replaced by T.
Protein change: p.Ser493Leu; replaces serine 493 with leucine.
Molecular consequence: missense variant.
Genome position (GRCh38, 1-based): chrX:34,130,801, G>A on the plus strand (C>T on the coding strand, the complement: FAM47A is on the minus strand). VCF-style: chrX-34130801-G-A. GRCh37 (hg19) VCF-style: chrX-34148918-G-A.
Other names: short protein forms S493L.
Identifiers: ClinVar variation 3056530 (VCV003056530.2), dbSNP rs190486831, ClinGen allele CA10380463.
Genomic context (GRCh38, chrX:34,130,801, plus strand): 5'-CGACGAGTCTTGGGAGGCTCCGAGCGGAGACTGGACGTCCGACGAGTCTTGGGAGGCTGC[G>A]AGTGGAGACTGGACCTCCGACGTGTCTTGGGATGTTCCGGGTGGGGATGGGACACCTGAG-3'
Protein context (NP_981953.2, residues 483-503): PKTRRRSSLH[Ser493Leu]QPPKTRRTSS